The following is an entry in ClinVar:

NM_000814.6(GABRB3):c.418A>G (p.Met140Val)

Gene: GABRB3 (gamma-aminobutyric acid type A receptor subunit beta3; minus strand). Cytogenetic location: 15q12.
Variant type: single nucleotide variant.
Coding change: c.418A>G on transcript NM_000814.6 (MANE Select); coding-DNA position 418, A replaced by G.
Protein change: p.Met140Val; replaces methionine 140 with valine.
Molecular consequence: missense variant. On other transcripts: non-coding transcript variant (1).
Genome position (GRCh38, 1-based): chr15:26,621,357, T>C on the plus strand (A>G on the coding strand, the complement: GABRB3 is on the minus strand). VCF-style: chr15-26621357-T-C. GRCh37 (hg19) VCF-style: chr15-26866504-T-C.
Other names: c.163A>G, p.Met55Val (NM_001191320.2, NM_001278631.2); c.205A>G, p.Met69Val (NM_001191321.3); c.418A>G, p.Met140Val (NM_021912.5); short protein forms M140V, M55V, M69V.
Identifiers: ClinVar variation 469574 (VCV000469574.9), dbSNP rs1555371848, ClinGen allele CA391460717.
Genomic context (GRCh38, chr15:26,621,357, plus strand): 5'-TGAAGAGGCACACAGACCTGAGCCCATACAGCACTGTCCCATCAGGGTGAAGACGGATCA[T>C]GCGGTTTTTCACTGTCACTCCATGCACAAATGACTTTTTGTCATTTAAGAAATATGTGTC-3'
Protein context (NP_000805.1, residues 130-150): FVHGVTVKNR[Met140Val]IRLHPDGTVL

ClinVar aggregate classification (germline): Uncertain significance. Review status: criteria provided, multiple submitters, no conflicts (2 of 4 stars). 2 submissions from 2 submitters: Uncertain significance (2). Last evaluated 2019-06-11.

Conditions:
Epilepsy, childhood absence, susceptibility to, 1. Also called: Epilepsy, childhood absence 1. Identifiers: Orphanet 64280, MedGen C1838604, MONDO:0020759, OMIM 600131.
Epilepsy, childhood absence, susceptibility to, 5. Identifiers: Orphanet 64280, MedGen C2677087, MONDO:0012843, OMIM 612269.

Allele frequency attached by ClinVar (database versions not stated): gnomAD exomes below 0.00001.

Submissions (2):

Athena Diagnostics
Classification: Uncertain significance. Last evaluated: 2019-06-11. Review status: criteria provided, single submitter. Criteria: Athena Diagnostics Criteria. Collection method: clinical testing. Allele origin: germline.

Labcorp Genetics (formerly Invitae), Labcorp
Classification: Uncertain significance for Epilepsy, childhood absence, susceptibility to, 5; Epilepsy, childhood absence, susceptibility to, 1. Last evaluated: 2017-08-03. Review status: criteria provided, single submitter. Criteria: Invitae Variant Classification Sherloc (09022015). Collection method: clinical testing. Allele origin: germline.
Comment: In summary, the available evidence is currently insufficient to determine the role of this variant in disease. Therefore, it has been classified as a Variant of Uncertain Significance. Algorithms developed to predict the effect of missense changes on protein structure and function do not agree on the potential impact of this missense change (SIFT: "Deleterious"; PolyPhen-2: "Probably Damaging"; Align-GVGD: "Class C0"). This variant has not been reported in the literature in individuals with GABRB3-related disease. This variant is not present in population databases (ExAC no frequency). This sequence change replaces methionine with valine at codon 140 of the GABRB3 protein (p.Met140Val). The methionine residue is highly conserved and there is a small physicochemical difference between methionine and valine.